The following is an entry in ClinVar:

ClinVar aggregate classification (germline): Benign/Likely benign. Review status: criteria provided, multiple submitters, no conflicts (2 of 4 stars). 8 submissions from 7 submitters: Benign (4); Likely benign (3). 1 of the submissions does not count toward it. Last evaluated 2026-08-01.

Conditions:
HSPG2-related disorder. Also called: HSPG2-related condition; HSPG2-related disorders.
Lethal Kniest-like syndrome (DDSH). Also called: Dyssegmental Dysplasia. Identifiers: Orphanet 1865, MedGen C1857100, MONDO:0009140, OMIM 224410.
Schwartz-Jampel syndrome. Also called: Myotonic myopathy dwarfism chondrodystrophy and ocular and facial abnormalities. Identifiers: Orphanet 800, MedGen C0036391, MONDO:0009717.

Allele frequency attached by ClinVar (database versions not stated): 1000 Genomes Project 30x 0.00187; 1000 Genomes Project 0.00200; TOPMed 0.00344; gnomAD 0.00353 and 0.00357; gnomAD exomes 0.00446 and 0.00596; ESP Exome Variant Server 0.00500; ExAC 0.00518.
gnomAD v4.1: 9,141 of 1,613,976 alleles (0.57%); highest among the groups gnomAD compares: Non-Finnish European, 0.68%; 41 homozygotes.

Submissions (8):

CeGaT Center for Human Genetics Tuebingen
Classification: Likely benign. Last evaluated: 2026-08-01. Review status: criteria provided, single submitter. Criteria: CeGaT Center For Human Genetics Tuebingen Variant Classification Criteria Version 2. Collection method: clinical testing. Allele origin: germline. Affected: yes. Observed: 20 variant alleles.
Comment: HSPG2: BP4, BS2

Labcorp Genetics (formerly Invitae), Labcorp
Classification: Benign. Last evaluated: 2026-01-26. Review status: criteria provided, single submitter. Criteria: Invitae Variant Classification Sherloc (09022015). Collection method: clinical testing. Allele origin: germline.

GeneDx
Classification: Benign. Last evaluated: 2020-04-29. Review status: criteria provided, single submitter. Criteria: GeneDx Variant Classification Process June 2021. Collection method: clinical testing. Allele origin: germline. Affected: yes.

Athena Diagnostics
Classification: Benign. Last evaluated: 2019-02-22. Review status: criteria provided, single submitter. Criteria: Athena Diagnostics Criteria. Collection method: clinical testing. Allele origin: germline.

Illumina Laboratory Services, Illumina
Classification: Likely benign for Schwartz-Jampel syndrome type 1. Last evaluated: 2018-01-13. Review status: criteria provided, single submitter. Criteria: ICSL Variant Classification Criteria 13 December 2019. Collection method: clinical testing. Allele origin: germline.
Comment: This variant was observed in the ICSL laboratory as part of a predisposition screen in an ostensibly healthy population. It had not been previously curated by ICSL or reported in the Human Gene Mutation Database (HGMD: prior to June 1st, 2018), and was therefore a candidate for classification through an automated scoring system. Utilizing variant allele frequency, disease prevalence and penetrance estimates, and inheritance mode, an automated score was calculated to assess if this variant is too frequent to cause the disease. Based on the score and internal cut-off values, a variant classified as likely benign is not then subjected to further curation. The score for this variant resulted in a classification of likely benign for this disease.

Illumina Laboratory Services, Illumina
Classification: Likely benign for Lethal Kniest-like syndrome. Last evaluated: 2018-01-13. Review status: criteria provided, single submitter. Criteria: ICSL Variant Classification Criteria 13 December 2019. Collection method: clinical testing. Allele origin: germline.
Comment: the same text as in the submission from Illumina Laboratory Services, Illumina above.

Eurofins Ntd Llc (ga)
Classification: Benign. Last evaluated: 2015-03-09. Review status: criteria provided, single submitter. Criteria: EGL Classification Definitions 2015. Collection method: clinical testing. Allele origin: germline. Observed: 1 variant allele, 1 heterozygote.

PreventionGenetics, part of Exact Sciences
Classification: Likely benign for HSPG2-related condition. Last evaluated: 2019-05-23. Review status: no assertion criteria provided. Collection method: clinical testing. Allele origin: germline. Not counted in ClinVar's aggregate classification.
Comment: This variant is classified as likely benign based on ACMG/AMP sequence variant interpretation guidelines (Richards et al. 2015 PMID: 25741868, with internal and published modifications).

Literature cited by the submitters: PubMed 25504735 (cited by Athena Diagnostics).

NM_005529.7(HSPG2):c.1082C>A (p.Thr361Asn)

Gene: HSPG2 (heparan sulfate proteoglycan 2; minus strand). Cytogenetic location: 1p36.12.
Variant type: single nucleotide variant.
Coding change: c.1082C>A on transcript NM_005529.7 (MANE Select); coding-DNA position 1082, C replaced by A.
Protein change: p.Thr361Asn; replaces threonine 361 with asparagine.
Molecular consequence: missense variant.
Genome position (GRCh38, 1-based): chr1:21,885,448, G>T on the plus strand (C>A on the coding strand, the complement: HSPG2 is on the minus strand). VCF-style: chr1-21885448-G-T. GRCh37 (hg19) VCF-style: chr1-22211941-G-T.
Other names: c.1082C>A, p.Thr361Asn (NM_001291860.2); short protein forms T361N.
Identifiers: ClinVar variation 193680 (VCV000193680.63), dbSNP rs75467696, ClinGen allele CA200727.
Genomic context (GRCh38, chr1:21,885,448, plus strand): 5'-CACATGTTGGTAGAGACGCATCGGAACTGTGTGGGCCCGCACACTTCCTCAGGACGCTTG[G>T]TGGCTGGGGACAAAGCCAGGTGGTTCCCAATAGCCCACCCCGTCCATCCTCCCTGGGCAT-3'
Protein context (NP_005520.4, residues 351-371): EDRTDEANCP[Thr361Asn]KRPEEVCGPT